The following is an entry in ClinVar:

ClinVar aggregate classification (germline): Uncertain significance (1 of 4 stars; one submission).

Conditions:
Hereditary cancer-predisposing syndrome. Also called: Neoplastic Syndromes, Hereditary; Tumor predisposition; Hereditary Cancer Syndrome; Hereditary neoplastic syndrome. Identifiers: Orphanet 140162, MedGen C0027672, MeSH D009386, MONDO:0015356.

Submission:

Ambry Genetics
Classification: Uncertain significance for Hereditary cancer-predisposing syndrome. Last evaluated: 2025-09-04. Review status: criteria provided, single submitter. Criteria: Ambry Variant Classification Scheme 2023. Collection method: clinical testing. Allele origin: germline.
Comment: The p.A222V variant (also known as c.665C>T), located in coding exon 6 of the FANCC gene, results from a C to T substitution at nucleotide position 665. The alanine at codon 222 is replaced by valine, an amino acid with similar properties. This amino acid position is conserved. In addition, this alteration is predicted to be tolerated by in silico analysis. Since supporting evidence is limited at this time, the clinical significance of this alteration remains unclear.

NM_000136.3(FANCC):c.665C>T (p.Ala222Val)

Genes: FANCC (FA complementation group C; minus strand), AOPEP (aminopeptidase O (putative); plus strand). Cytogenetic location: 9q22.32.
Variant type: single nucleotide variant.
Coding change: c.665C>T on transcript NM_000136.3 (MANE Select); coding-DNA position 665, C replaced by T.
Protein change: p.Ala222Val; replaces alanine 222 with valine.
Molecular consequence: missense variant.
Genome position (GRCh38, 1-based): chr9:95,149,944, G>A on the plus strand (C>T on the coding strand, the complement: FANCC is on the minus strand). VCF-style: chr9-95149944-G-A. GRCh37 (hg19) VCF-style: chr9-97912226-G-A.
Other names: c.665C>T, p.Ala222Val (NM_001243743.2, NM_001243744.2); short protein forms A222V.
Identifiers: ClinVar variation 1754730 (VCV001754730.3), dbSNP rs1830058618, ClinGen allele CA374109550.